The following is an entry in ClinVar:

ClinVar aggregate classification (germline): Uncertain significance (1 of 4 stars; one submission).

Submission:

Labcorp Genetics (formerly Invitae), Labcorp
Classification: Uncertain significance. Last evaluated: 2025-07-27. Review status: criteria provided, single submitter. Criteria: Invitae Variant Classification Sherloc (09022015). Collection method: clinical testing. Allele origin: germline.
Comment: This sequence change replaces glycine, which is neutral and non-polar, with glutamic acid, which is acidic and polar, at codon 551 of the CDH2 protein (p.Gly551Glu). This variant is not present in population databases (gnomAD no frequency). This variant has not been reported in the literature in individuals affected with CDH2-related conditions. An algorithm developed to predict the effect of missense changes on protein structure and function (PolyPhen-2) suggests that this variant is likely to be disruptive. In summary, the available evidence is currently insufficient to determine the role of this variant in disease. Therefore, it has been classified as a Variant of Uncertain Significance.

NM_001792.5(CDH2):c.1652G>A (p.Gly551Glu)

Gene: CDH2 (cadherin 2; minus strand). Cytogenetic location: 18q12.1.
Variant type: single nucleotide variant.
Coding change: c.1652G>A on transcript NM_001792.5 (MANE Select); coding-DNA position 1652, G replaced by A.
Protein change: p.Gly551Glu; replaces glycine 551 with glutamic acid.
Molecular consequence: missense variant.
Genome position (GRCh38, 1-based): chr18:27,988,613, C>T on the plus strand (G>A on the coding strand, the complement: CDH2 is on the minus strand). VCF-style: chr18-27988613-C-T. GRCh37 (hg19) VCF-style: chr18-25568577-C-T.
Other names: c.1559G>A, p.Gly520Glu (NM_001308176.2); short protein forms G520E, G551E.
Identifiers: ClinVar variation 4724048 (VCV004724048.1).
Genomic context (GRCh38, chr18:27,988,613, plus strand): 5'-TATATATTGTTTTTCACATTTGGTGATTCTCGGTCCAAAACAGCAATTGTAGTTATTTGT[C>T]CATTCACAGGATCTATTTTTAGCCAATTGGCAGGATCAGATAATTTAGTGTATCTACAAA-3'
Protein context (NP_001783.2, residues 541-561): ANWLKIDPVN[Gly551Glu]QITTIAVLDR